The following is an entry in ClinVar:

NM_001267550.2(TTN):c.31816G>A (p.Ala10606Thr)

Gene: TTN (titin; minus strand). Cytogenetic location: 2q31.2.
Variant type: single nucleotide variant.
Coding change: c.31816G>A on transcript NM_001267550.2 (MANE Select); coding-DNA position 31816, G replaced by A.
Protein change: p.Ala10606Thr; replaces alanine 10606 with threonine.
Molecular consequence: missense variant. On other transcripts: intron variant (3).
Genome position (GRCh38, 1-based): chr2:178,689,843, C>T on the plus strand (G>A on the coding strand, the complement: TTN is on the minus strand). VCF-style: chr2-178689843-C-T. GRCh37 (hg19) VCF-style: chr2-179554570-C-T.
Other names: c.30865G>A, p.Ala10289Thr (NM_001256850.1); c.28084G>A, p.Ala9362Thr (NM_133378.4); c.13283-47526G>A (NM_003319.4); c.13859-47526G>A (NM_133437.4); c.13658-47526G>A (NM_133432.3); short protein forms A10606T, A10289T, A9362T.
Identifiers: ClinVar variation 4987336 (VCV004987336.1).

ClinVar aggregate classification (germline): Uncertain significance (1 of 4 stars; one submission).

Conditions:
TTN-related disorder. Also called: TTN-related disorders; TTN-related condition; TTN-related disease.

Submission:

PreventionGenetics, part of Exact Sciences
Classification: Uncertain significance for TTN-related condition. Last evaluated: 2025-04-28. Review status: criteria provided, single submitter. Criteria: ACMG Guidelines, 2015. Collection method: clinical testing. Allele origin: germline.
Comment: The TTN c.31816G>A variant is predicted to result in the amino acid substitution p.Ala10606Thr. To our knowledge, this variant has not been reported in the literature or in a large population database (gnomAD), indicating this variant is rare. At this time, the clinical significance of this variant is uncertain due to the absence of conclusive functional and genetic evidence.